The following is an entry in ClinVar:

NM_000245.4(MET):c.3365C>T (p.Ser1122Phe)

Gene: MET (MET proto-oncogene, receptor tyrosine kinase; plus strand). Cytogenetic location: 7q31.2.
Variant type: single nucleotide variant.
Coding change: c.3365C>T on transcript NM_000245.4 (MANE Select); coding-DNA position 3365, C replaced by T.
Protein change: p.Ser1122Phe; replaces serine 1122 with phenylalanine.
Molecular consequence: missense variant.
Genome position (GRCh38, 1-based): chr7:116,778,800, C>T. VCF-style: chr7-116778800-C-T. GRCh37 (hg19) VCF-style: chr7-116418854-C-T.
Other names: c.3419C>T, p.Ser1140Phe (NM_001127500.3); c.2075C>T, p.Ser692Phe (NM_001324402.2); short protein forms S1122F, S1140F, S692F.
Identifiers: ClinVar variation 2446643 (VCV002446643.1), dbSNP rs1180415202, ClinGen allele CA368989994.

ClinVar aggregate classification (germline): Uncertain significance (1 of 4 stars; one submission).

Allele frequency attached by ClinVar (database versions not stated): gnomAD exomes below 0.00001.
gnomAD v4.1: 1 of 1,614,008 alleles (0.000062%); highest among the groups gnomAD compares: Non-Finnish European, 0.000085%; no homozygotes.

Submission:

GeneDx
Classification: Uncertain significance. Last evaluated: 2022-09-29. Review status: criteria provided, single submitter. Criteria: GeneDx Variant Classification Process June 2021. Collection method: clinical testing. Allele origin: germline. Affected: yes.
Comment: Not observed at significant frequency in large population cohorts (gnomAD); In silico analysis supports that this missense variant has a deleterious effect on protein structure/function; Has not been previously published as pathogenic or benign to our knowledge